The following is an entry in ClinVar:

ClinVar aggregate classification (germline): Uncertain significance (1 of 4 stars; one submission).

Conditions:
Hereditary cancer-predisposing syndrome. Also called: Tumor predisposition; Hereditary neoplastic syndrome; Hereditary Cancer Syndrome; Neoplastic Syndromes, Hereditary. Identifiers: Orphanet 140162, MedGen C0027672, MeSH D009386, MONDO:0015356.

Submission:

Ambry Genetics
Classification: Uncertain significance for Hereditary cancer-predisposing syndrome. Last evaluated: 2025-05-27. Review status: criteria provided, single submitter. Criteria: Ambry Variant Classification Scheme 2023. Collection method: clinical testing. Allele origin: germline.
Comment: The c.330T>C variant (also known as p.I110I), located in coding exon 2 of the RAD51C gene, results from a T to C substitution at nucleotide position 330. This nucleotide substitution does not change the amino acid at codon 110. This nucleotide position is not well conserved in available vertebrate species. In silico splice site analysis for this alteration is inconclusive, and direct evidence is insufficient at this time (Ambry internal data). Based on the available evidence, the clinical significance of this variant remains unclear.

NM_058216.3(RAD51C):c.330T>C (p.Ile110=)

Gene: RAD51C (RAD51 paralog C; plus strand). Cytogenetic location: 17q22.
Variant type: single nucleotide variant.
Coding change: c.330T>C on transcript NM_058216.3 (MANE Select); coding-DNA position 330, T replaced by C.
Protein change: p.Ile110=; no amino-acid change (isoleucine 110 retained).
Molecular consequence: synonymous variant. On other transcripts: non-coding transcript variant (2).
Genome position (GRCh38, 1-based): chr17:58,695,115, T>C. VCF-style: chr17-58695115-T-C. GRCh37 (hg19) VCF-style: chr17-56772476-T-C.
Other names: c.330T>C, p.Ile110= (NM_002876.4).
Identifiers: ClinVar variation 3942370 (VCV003942370.1).
Genomic context (GRCh38, chr17:58,695,115, plus strand): 5'-TCTTGAGCAGGAGCATACCCAGGGCTTCATAATCACCTTCTGTTCAGCACTAGATGATAT[T>C]CTTGGGGGTGGAGTGCCCTTAATGAAAACAACAGAAATTTGTGGTGCACCAGGTGTTGGA-3'
Protein context (NP_478123.1, residues 100-120): IITFCSALDD[Ile110=]LGGGVPLMKT